The following is an entry in ClinVar:

ClinVar aggregate classification (germline): Uncertain significance. Review status: criteria provided, multiple submitters, no conflicts (2 of 4 stars). 2 submissions from 2 submitters: Uncertain significance (2). Last evaluated 2024-11-26.

Conditions:
Dyskeratosis congenita, autosomal recessive 5 (DKCB5). Identifiers: MedGen C3554656, MONDO:0014076, OMIM 615190.
Pulmonary fibrosis and/or bone marrow failure, Telomere-related, 3. Also called: PULMONARY FIBROSIS AND/OR BONE MARROW FAILURE SYNDROME, TELOMERE-RELATED, 3. Identifiers: Orphanet 2032, MedGen C4225346, MONDO:0014613, OMIM 616373.
Inborn genetic diseases. Identifiers: MedGen C0950123, MeSH D030342.

Allele frequency attached by ClinVar (database versions not stated): gnomAD 0.00001; 1000 Genomes Project 30x 0.00016; 1000 Genomes Project 0.00020.
gnomAD v4.1: 15 of 1,612,082 alleles (0.00093%); highest among the groups gnomAD compares: Non-Finnish European, 0.0011%; no homozygotes.

Submissions (2):

Ambry Genetics
Classification: Uncertain significance for Inborn genetic diseases. Last evaluated: 2024-11-26. Review status: criteria provided, single submitter. Criteria: Ambry Variant Classification Scheme 2023. Collection method: clinical testing. Allele origin: germline.
Comment: The p.E981K variant (also known as c.2941G>A), located in coding exon 29 of the RTEL1 gene, results from a G to A substitution at nucleotide position 2941. The glutamic acid at codon 981 is replaced by lysine, an amino acid with similar properties. This amino acid position is conserved. In addition, this alteration is predicted to be tolerated by in silico analysis. Based on the available evidence, the clinical significance of this variant remains unclear.

Labcorp Genetics (formerly Invitae), Labcorp
Classification: Uncertain significance for Dyskeratosis congenita, autosomal recessive 5; Pulmonary fibrosis and/or bone marrow failure, Telomere-related, 3. Last evaluated: 2023-12-02. Review status: criteria provided, single submitter. Criteria: Invitae Variant Classification Sherloc (09022015). Collection method: clinical testing. Allele origin: germline.
Comment: This sequence change replaces glutamic acid, which is acidic and polar, with lysine, which is basic and polar, at codon 981 of the RTEL1 protein (p.Glu981Lys). This variant is present in population databases (rs556575959, gnomAD 0.002%). This variant has not been reported in the literature in individuals affected with RTEL1-related conditions. Algorithms developed to predict the effect of missense changes on protein structure and function output the following: SIFT: "Not Available"; PolyPhen-2: "Benign"; Align-GVGD: "Not Available". The lysine amino acid residue is found in multiple mammalian species, which suggests that this missense change does not adversely affect protein function. In summary, the available evidence is currently insufficient to determine the role of this variant in disease. Therefore, it has been classified as a Variant of Uncertain Significance.

NM_001283009.2(RTEL1):c.2941G>A (p.Glu981Lys)

Genes: RTEL1 (regulator of telomere elongation helicase 1; plus strand), RTEL1-TNFRSF6B (RTEL1-TNFRSF6B readthrough (NMD candidate); plus strand). Cytogenetic location: 20q13.33.
Variant type: single nucleotide variant.
Coding change: c.2941G>A on transcript NM_001283009.2 (MANE Select); coding-DNA position 2941, G replaced by A.
Protein change: p.Glu981Lys; replaces glutamic acid 981 with lysine.
Molecular consequence: missense variant. On other transcripts: non-coding transcript variant (1).
Genome position (GRCh38, 1-based): chr20:63,693,232, G>A. VCF-style: chr20-63693232-G-A. GRCh37 (hg19) VCF-style: chr20-62324585-G-A.
Other names: c.2272G>A, p.Glu758Lys (NM_001283010.1); c.2941G>A, p.Glu981Lys (NM_016434.4); c.3013G>A, p.Glu1005Lys (NM_032957.5); short protein forms E981K, E758K, E1005K.
Identifiers: ClinVar variation 2929981 (VCV002929981.4), dbSNP rs556575959, ClinGen allele CA317522157.
Genomic context (GRCh38, chr20:63,693,232, plus strand): 5'-AAGCAGCAGTTTGAGGAGGTCTGTATCCAGCTGACAGGACGAGGCTGTGGCTATCGGCCT[G>A]AGCACAGCATTCCCCGAAGGCAGCGGGCACAGCCGGTCCTGGACCCCACTGGTAAATGGG-3'
Protein context (NP_001269938.1, residues 971-991): LTGRGCGYRP[Glu981Lys]HSIPRRQRAQ